The following is an entry in ClinVar:

ClinVar aggregate classification (germline): Pathogenic. Review status: criteria provided, multiple submitters, no conflicts (2 of 4 stars). 4 submissions from 4 submitters: Pathogenic (4). Last evaluated 2022-05-26.

Conditions:
Dihydropyrimidinase deficiency (DPYSD). Also called: DPH DEFICIENCY; DPYS DEFICIENCY; dihydropyrimidinuria. Identifiers: Orphanet 38874, MedGen C0342803, MONDO:0009111, OMIM 222748.

Allele frequency attached by ClinVar (database versions not stated): gnomAD exomes 0.00002 and 0.00008; gnomAD 0.00004; TOPMed 0.00004; ExAC 0.00009.
gnomAD v4.1: 42 of 1,614,106 alleles (0.0026%); highest among the groups gnomAD compares: East Asian, 0.051%; no homozygotes.

Submissions (4):

Labcorp Genetics (formerly Invitae), Labcorp
Classification: Pathogenic. Last evaluated: 2022-05-26. Review status: criteria provided, single submitter. Criteria: Invitae Variant Classification Sherloc (09022015). Collection method: clinical testing. Allele origin: germline.
Comment: This variant is present in population databases (rs201280871, gnomAD 0.08%). This sequence change creates a premature translational stop signal (p.Arg465*) in the DPYS gene. It is expected to result in an absent or disrupted protein product. Loss-of-function variants in DPYS are known to be pathogenic (PMID: 20362666). This premature translational stop signal has been observed in individual(s) with Dihydropyrimidinase deficiency (PMID: 20362666, 25915935, 29054612). It has also been observed to segregate with disease in related individuals. For these reasons, this variant has been classified as Pathogenic. ClinVar contains an entry for this variant (Variation ID: 863103).

Revvity Omics, Revvity
Classification: Pathogenic for Dihydropyrimidinase deficiency. Last evaluated: 2020-12-30. Review status: criteria provided, single submitter. Criteria: ACMG Guidelines, 2015. Collection method: clinical testing. Allele origin: germline.

Baylor Genetics
Classification: Pathogenic for Dihydropyrimidinase deficiency. Last evaluated: 2019-08-22. Review status: criteria provided, single submitter. Criteria: ACMG Guidelines, 2015. Collection method: clinical testing. Allele origin: unknown. Affected: yes.
Comment: This variant was determined to be pathogenic according to ACMG Guidelines, 2015 [PMID:25741868].

Juno Genomics, Hangzhou Juno Genomics, Inc
Classification: Pathogenic for Dihydropyrimidinase deficiency. Review status: criteria provided, single submitter. Criteria: ACMG Guidelines, 2015. Collection method: clinical testing. Allele origin: germline.
Comment: Null variant in a gene where loss of function (LOF) is a known mechanism of disease.;For recessive disorders, detected in trans with a pathogenic variant.;Co-segregation with disease in multiple affected family members.;Patient's phenotype or family history is highly specific for a disease with a single genetic etiology.

Literature cited by the submitters: PubMed 20362666 (cited by Labcorp Genetics (formerly Invitae), Labcorp); PubMed 25915935 (cited by Labcorp Genetics (formerly Invitae), Labcorp); PubMed 29054612 (cited by Labcorp Genetics (formerly Invitae), Labcorp).

NM_001385.3(DPYS):c.1393C>T (p.Arg465Ter)

Gene: DPYS (dihydropyrimidinase; minus strand). Cytogenetic location: 8q22.3.
Variant type: single nucleotide variant.
Coding change: c.1393C>T on transcript NM_001385.3 (MANE Select); coding-DNA position 1393, C replaced by T.
Protein change: p.Arg465Ter; replaces arginine 465 with a stop codon.
Molecular consequence: nonsense.
Genome position (GRCh38, 1-based): chr8:104,392,834, G>A on the plus strand (C>T on the coding strand, the complement: DPYS is on the minus strand). VCF-style: chr8-104392834-G-A. GRCh37 (hg19) VCF-style: chr8-105405062-G-A.
Other names: short protein forms R465*.
Identifiers: ClinVar variation 863103 (VCV000863103.16), dbSNP rs201280871, ClinGen allele CA4838290.